The following is an entry in ClinVar:

NM_000051.4(ATM):c.741dup (p.Arg248fs)

Gene: ATM (ATM serine/threonine kinase; plus strand). Cytogenetic location: 11q22.3.
Variant type: Duplication.
Coding change: c.741dup on transcript NM_000051.4 (MANE Select); coding-DNA position 741, one base duplicated (T; older notation c.741dupT).
Protein change: p.Arg248fs; shifts the reading frame from arginine 248.
Molecular consequence: frameshift variant.
Genome position (GRCh38, 1-based): chr11:108,244,866, T duplicated; the last of 3 consecutive T bases (chr11:108,244,864-108,244,866); duplicating any one gives the same sequence. VCF-style (leftmost placement, unchanged base first): chr11-108244863-C-CT. GRCh37 (hg19) VCF-style: chr11-108115590-C-CT.
Other names: c.741dupT (NM_000051.3); c.741dup, p.Arg248fs (NM_001351834.2); short protein forms R248fs.
Identifiers: ClinVar variation 429079 (VCV000429079.11), dbSNP rs1131691161, ClinGen allele CA645369495.
Genomic context (GRCh38, chr11:108,244,863, plus strand): 5'-TTCAGGTCTAAATCATATCTTAGCAGCTCTTACTATCTTCCTCAAGACTTTGGCTGTCAA[C>CT]TTTCGAATTCGAGTGTGTGAATTAGGAGATGAAATTCTTCCCACTTTGCTTTATATTTGG-3'

ClinVar aggregate classification (germline): Pathogenic. Review status: criteria provided, multiple submitters, no conflicts (2 of 4 stars). 4 submissions from 4 submitters: Pathogenic (4). Last evaluated 2026-06-26.

Conditions:
Familial cancer of breast. Also called: hereditary breast carcinoma; Hereditary breast cancer; BREAST CANCER, FAMILIAL. Identifiers: Orphanet 227535, MedGen C0346153, MONDO:0016419, OMIM 114480. Disease mechanism: loss of function.
Ataxia-telangiectasia syndrome (AT). Also called: Ataxia-telangiectasia, complementation group D; AT, COMPLEMENTATION GROUP C; LOUIS-BAR SYNDROME; Ataxia-telangiectasia, complementation group E; Cerebello-oculocutaneous telangiectasia; Immunodeficiency with ataxia telangiectasia. Identifiers: Orphanet 100, MedGen C0004135, MONDO:0008840, OMIM 208900.
Hereditary cancer-predisposing syndrome. Also called: Neoplastic Syndromes, Hereditary; Hereditary neoplastic syndrome; Hereditary Cancer Syndrome; Tumor predisposition. Identifiers: Orphanet 140162, MedGen C0027672, MeSH D009386, MONDO:0015356.

Submissions (4):

Ambry Genetics
Classification: Pathogenic for Hereditary cancer-predisposing syndrome. Last evaluated: 2026-06-26. Review status: criteria provided, single submitter. Criteria: Ambry Variant Classification Scheme 2023. Collection method: clinical testing. Allele origin: germline.
Comment: The c.741dupT pathogenic mutation, located in coding exon 6 of the ATM gene, results from a duplication of T at nucleotide position 741, causing a translational frameshift with a predicted alternate stop codon (p.R248Sfs*6). This variant is considered to be rare based on population cohorts in the Genome Aggregation Database (gnomAD). This variant is expected to result in loss of function by premature protein truncation or nonsense-mediated mRNA decay. As such, this variant is interpreted as a disease-causing mutation.

Labcorp Genetics (formerly Invitae), Labcorp
Classification: Pathogenic for Ataxia-telangiectasia syndrome. Last evaluated: 2025-10-17. Review status: criteria provided, single submitter. Criteria: Invitae Variant Classification Sherloc (09022015). Collection method: clinical testing. Allele origin: germline.
Comment: This sequence change creates a premature translational stop signal (p.Arg248Serfs*6) in the ATM gene. It is expected to result in an absent or disrupted protein product. Loss-of-function variants in ATM are known to be pathogenic (PMID: 23807571, 25614872). This variant is not present in population databases (gnomAD no frequency). This premature translational stop signal has been observed in individual(s) with pancreatic cancer (PMID: 28687971). ClinVar contains an entry for this variant (Variation ID: 429079). For these reasons, this variant has been classified as Pathogenic.

Myriad Genetics, Inc.
Classification: Pathogenic for Familial cancer of breast. Last evaluated: 2024-01-11. Review status: criteria provided, single submitter. Criteria: Myriad Autosomal Dominant, Autosomal Recessive and X-Linked Classification Criteria (2023). Collection method: clinical testing. Allele origin: unknown.
Comment: This variant is considered pathogenic. This variant creates a frameshift predicted to result in premature protein truncation.

Color Diagnostics, LLC DBA Color Health
Classification: Pathogenic for Hereditary cancer-predisposing syndrome. Last evaluated: 2020-01-15. Review status: criteria provided, single submitter. Criteria: ACMG Guidelines, 2015. Collection method: clinical testing. Allele origin: germline.
Comment: This variant inserts 1 nucleotide in exon 7 of the ATM gene, creating a frameshift and premature translation stop signal. This variant is expected to result in an absent or non-functional protein product. This variant has not been identified in the general population by the Genome Aggregation Database (gnomAD). Loss of ATM function is a known mechanism of disease. Based on the available evidence, this variant is classified as Pathogenic.

Literature cited by the submitters: PubMed 23807571 (cited by Labcorp Genetics (formerly Invitae), Labcorp); PubMed 25614872 (cited by Labcorp Genetics (formerly Invitae), Labcorp); PubMed 28687971 (cited by Labcorp Genetics (formerly Invitae), Labcorp).